The following is an entry in ClinVar:

ClinVar aggregate classification (germline): Uncertain significance (1 of 4 stars; one submission).

Allele frequency attached by ClinVar (database versions not stated): ExAC 0.00001; TOPMed 0.00002.
gnomAD v4.1: 17 of 1,597,968 alleles (0.0011%); highest among the groups gnomAD compares: East Asian, 0.0068%; no homozygotes.

Submission:

Labcorp Genetics (formerly Invitae), Labcorp
Classification: Uncertain significance. Last evaluated: 2022-06-19. Review status: criteria provided, single submitter. Criteria: Invitae Variant Classification Sherloc (09022015). Collection method: clinical testing. Allele origin: germline.
Comment: This sequence change affects codon 1275 of the SBF1 mRNA. It is a 'silent' change, meaning that it does not change the encoded amino acid sequence of the SBF1 protein. It affects a nucleotide within the consensus splice site. This variant is present in population databases (rs762500203, gnomAD 0.006%). This variant has not been reported in the literature in individuals affected with SBF1-related conditions. Algorithms developed to predict the effect of sequence changes on RNA splicing suggest that this variant is not likely to affect RNA splicing. In summary, the available evidence is currently insufficient to determine the role of this variant in disease. Therefore, it has been classified as a Variant of Uncertain Significance.

NM_002972.4(SBF1):c.3825C>T (p.His1275=)

Gene: SBF1 (SET binding factor 1; minus strand). Cytogenetic location: 22q13.33.
Variant type: single nucleotide variant.
Coding change: c.3825C>T on transcript NM_002972.4 (MANE Select); coding-DNA position 3825, C replaced by T.
Protein change: p.His1275=; no amino-acid change (histidine 1275 retained).
Molecular consequence: synonymous variant.
Genome position (GRCh38, 1-based): chr22:50,459,256, G>A on the plus strand (C>T on the coding strand, the complement: SBF1 is on the minus strand). VCF-style: chr22-50459256-G-A. GRCh37 (hg19) VCF-style: chr22-50897685-G-A.
Other names: c.3828C>T, p.His1276= (NM_001365819.1, NM_001410794.1); c.3825C>T, p.His1275= (NM_001410795.1, NM_197971.1).
Identifiers: ClinVar variation 2053968 (VCV002053968.1), dbSNP rs762500203, ClinGen allele CA10316551.